The following is an entry in ClinVar:

ClinVar aggregate classification (germline): Uncertain significance. Review status: criteria provided, multiple submitters, no conflicts (2 of 4 stars). 2 submissions from 2 submitters: Uncertain significance (2). Last evaluated 2022-02-28.

Conditions:
Ataxia-telangiectasia syndrome (AT). Also called: Ataxia-telangiectasia; LOUIS-BAR SYNDROME; Ataxia-telangiectasia, complementation group D; AT, COMPLEMENTATION GROUP C; ATAXIA-TELANGIECTASIA, COMPLEMENTATION GROUP A; ATAXIA-TELANGIECTASIA, FRESNO VARIANT. Identifiers: Orphanet 100, MedGen C0004135, MONDO:0008840, OMIM 208900.
Hereditary cancer-predisposing syndrome. Also called: Tumor predisposition; Neoplastic Syndromes, Hereditary; Hereditary Cancer Syndrome; Hereditary neoplastic syndrome. Identifiers: Orphanet 140162, MedGen C0027672, MeSH D009386, MONDO:0015356.

Submissions (2):

Ambry Genetics
Classification: Uncertain significance for Hereditary cancer-predisposing syndrome. Last evaluated: 2022-02-28. Review status: criteria provided, single submitter. Criteria: Ambry Variant Classification Scheme 2023. Collection method: clinical testing. Allele origin: germline.
Comment: The p.R2032S variant (also known as c.6096A>T) is located in coding exon 41 of the ATM gene. The arginine at codon 2032 is replaced by serine, an amino acid with dissimilar properties. This change occurs in the first base pair of coding exon 41. This amino acid position is highly conserved in available vertebrate species. In addition, the in silico prediction for this alteration is inconclusive. Since supporting evidence is limited at this time, the clinical significance of this alteration remains unclear.

Labcorp Genetics (formerly Invitae), Labcorp
Classification: Uncertain significance for Ataxia-telangiectasia syndrome. Last evaluated: 2021-07-06. Review status: criteria provided, single submitter. Criteria: Invitae Variant Classification Sherloc (09022015). Collection method: clinical testing. Allele origin: germline.
Comment: In summary, the available evidence is currently insufficient to determine the role of this variant in disease. Therefore, it has been classified as a Variant of Uncertain Significance. Algorithms developed to predict the effect of missense changes on protein structure and function (SIFT, PolyPhen-2, Align-GVGD) all suggest that this variant is likely to be disruptive. This variant has not been reported in the literature in individuals affected with ATM-related conditions. This variant is not present in population databases (ExAC no frequency). This sequence change replaces arginine with serine at codon 2032 of the ATM protein (p.Arg2032Ser). The arginine residue is highly conserved and there is a moderate physicochemical difference between arginine and serine.

NM_000051.4(ATM):c.6096A>T (p.Arg2032Ser)

Genes: ATM (ATM serine/threonine kinase; plus strand), C11orf65 (chromosome 11 open reading frame 65; minus strand). Cytogenetic location: 11q22.3.
Variant type: single nucleotide variant.
Coding change: c.6096A>T on transcript NM_000051.4 (MANE Select); coding-DNA position 6096, A replaced by T.
Protein change: p.Arg2032Ser; replaces arginine 2032 with serine.
Molecular consequence: missense variant. On other transcripts: intron variant (2).
Genome position (GRCh38, 1-based): chr11:108,316,011, A>T. VCF-style: chr11-108316011-A-T. GRCh37 (hg19) VCF-style: chr11-108186738-A-T.
Other names: c.6096A>T, p.Arg2032Ser (NM_001351834.2); c.641-6940T>A (NM_001330368.2); c.*39-6940T>A (NM_001351110.2); short protein forms R2032S.
Identifiers: ClinVar variation 1404497 (VCV001404497.9), dbSNP rs1591778359, ClinGen allele CA382550291.
Genomic context (GRCh38, chr11:108,316,011, plus strand): 5'-TTTATGAAGGAGTTATGTGTGTGTAAAACCCAAAGCTATTTTCACAATCTTTTCTTATAG[A>T]CTACGAACATATGAACACGAAGCAATGTGGGGCAAAGCCCTAGTAACATATGACCTCGAA-3'
Protein context (NP_000042.3, residues 2022-2042): GGGKMLQPIT[Arg2032Ser]LRTYEHEAMW